The following is an entry in ClinVar:

ClinVar aggregate classification (germline): Uncertain significance. Review status: criteria provided, multiple submitters, no conflicts (2 of 4 stars). 2 submissions from 2 submitters: Uncertain significance (2). Last evaluated 2023-07-22.

Conditions:
Familial cancer of breast. Also called: BREAST CANCER, FAMILIAL; Hereditary breast cancer; hereditary breast carcinoma. Identifiers: Orphanet 227535, MedGen C0346153, MONDO:0016419, OMIM 114480. Disease mechanism: loss of function.
Hereditary cancer-predisposing syndrome. Also called: Neoplastic Syndromes, Hereditary; Hereditary Cancer Syndrome; Hereditary neoplastic syndrome; Tumor predisposition. Identifiers: Orphanet 140162, MedGen C0027672, MeSH D009386, MONDO:0015356.

Allele frequency attached by ClinVar (database versions not stated): gnomAD exomes below 0.00001; ExAC 0.00001.
gnomAD v4.1: 1 of 1,613,864 alleles (0.000062%); highest among the groups gnomAD compares: South Asian, 0.0011%; no homozygotes.

Submissions (2):

Labcorp Genetics (formerly Invitae), Labcorp
Classification: Uncertain significance for Familial cancer of breast. Last evaluated: 2023-07-22. Review status: criteria provided, single submitter. Criteria: Invitae Variant Classification Sherloc (09022015). Collection method: clinical testing. Allele origin: germline.
Comment: This sequence change replaces tyrosine, which is neutral and polar, with cysteine, which is neutral and slightly polar, at codon 329 of the CHEK2 protein (p.Tyr329Cys). This variant is present in population databases (rs774685647, gnomAD 0.003%). This variant has not been reported in the literature in individuals affected with CHEK2-related conditions. ClinVar contains an entry for this variant (Variation ID: 460867). An algorithm developed to predict the effect of missense changes on protein structure and function (PolyPhen-2) suggests that this variant is likely to be disruptive. In summary, the available evidence is currently insufficient to determine the role of this variant in disease. Therefore, it has been classified as a Variant of Uncertain Significance.

Ambry Genetics
Classification: Uncertain significance for Hereditary cancer-predisposing syndrome. Last evaluated: 2020-12-31. Review status: criteria provided, single submitter. Criteria: Ambry Variant Classification Scheme 2023. Collection method: clinical testing. Allele origin: germline.
Comment: The p.Y329C variant (also known as c.986A>G), located in coding exon 8 of the CHEK2 gene, results from an A to G substitution at nucleotide position 986. The tyrosine at codon 329 is replaced by cysteine, an amino acid with highly dissimilar properties. This amino acid position is highly conserved in available vertebrate species. In addition, this alteration is predicted to be deleterious by in silico analysis. Since supporting evidence is limited at this time, the clinical significance of this alteration remains unclear.

NM_007194.4(CHEK2):c.986A>G (p.Tyr329Cys)

Gene: CHEK2 (checkpoint kinase 2; minus strand). Cytogenetic location: 22q12.1.
Variant type: single nucleotide variant.
Coding change: c.986A>G on transcript NM_007194.4 (MANE Select); coding-DNA position 986, A replaced by G.
Protein change: p.Tyr329Cys; replaces tyrosine 329 with cysteine.
Molecular consequence: missense variant.
Genome position (GRCh38, 1-based): chr22:28,699,860, T>C on the plus strand (A>G on the coding strand, the complement: CHEK2 is on the minus strand). VCF-style: chr22-28699860-T-C. GRCh37 (hg19) VCF-style: chr22-29095848-T-C.
Other names: c.785A>G, p.Tyr262Cys (NM_001349956.3); c.986A>G, p.Tyr329Cys (NM_145862.3); c.1115A>G, p.Tyr372Cys (NM_001005735.3); c.323A>G, p.Tyr108Cys (NM_001257387.3); short protein forms Y329C, Y262C, Y372C, Y108C.
Identifiers: ClinVar variation 460867 (VCV000460867.10), dbSNP rs774685647, ClinGen allele CA10167768.